The following is an entry in ClinVar:

ClinVar aggregate classification (germline): Pathogenic. Review status: criteria provided, multiple submitters, no conflicts (2 of 4 stars). 3 submissions from 3 submitters: Pathogenic (3). Last evaluated 2026-01-26.

Conditions:
PDE6B-related disorder. Also called: PDE6B-related disorders; PDE6B-related disease; PDE6B-related condition.
Retinitis pigmentosa 40 (RP40). Identifiers: Orphanet 791, MedGen C3151107, MONDO:0013429, OMIM 613801.

Allele frequency attached by ClinVar (database versions not stated): gnomAD 0.00001.
gnomAD v4.1: 8 of 1,612,810 alleles (0.0005%); highest among the groups gnomAD compares: East Asian, 0.013%; no homozygotes.

Submissions (3):

Medical and Scientific Branch, Hong Kong Genome Institute
Classification: Pathogenic for Retinitis pigmentosa 40. Last evaluated: 2026-01-26. Review status: criteria provided, single submitter. Criteria: ACMG Guidelines, 2015. Collection method: clinical testing. Allele origin: biparental. Affected: yes.

Blueprint Genetics
Classification: Pathogenic for PDE6B-related disorders. Last evaluated: 2024-02-19. Review status: criteria provided, single submitter. Criteria: ACMG Guidelines, 2015. Collection method: clinical testing. Allele origin: germline. Affected: yes. Observed: 5 variant alleles.

Labcorp Genetics (formerly Invitae), Labcorp
Classification: Pathogenic. Last evaluated: 2022-06-27. Review status: criteria provided, single submitter. Criteria: Invitae Variant Classification Sherloc (09022015). Collection method: clinical testing. Allele origin: germline.
Comment: For these reasons, this variant has been classified as Pathogenic. Algorithms developed to predict the effect of sequence changes on RNA splicing suggest that this variant may create or strengthen a splice site. This premature translational stop signal has been observed in individual(s) with retinitis pigmentosa (PMID: 24938718, 27588261, 30998820). In at least one individual the data is consistent with being in trans (on the opposite chromosome) from a pathogenic variant. This variant is present in population databases (no rsID available, gnomAD 0.04%). This sequence change creates a premature translational stop signal (p.Trp378*) in the PDE6B gene. It is expected to result in an absent or disrupted protein product. Loss-of-function variants in PDE6B are known to be pathogenic (PMID: 8394174, 8595886, 22334370).

Literature cited by the submitters: PubMed 24938718 (cited by Labcorp Genetics (formerly Invitae), Labcorp); PubMed 27588261 (cited by Labcorp Genetics (formerly Invitae), Labcorp); PubMed 30998820 (cited by Labcorp Genetics (formerly Invitae), Labcorp); PubMed 8394174 (cited by Labcorp Genetics (formerly Invitae), Labcorp); PubMed 8595886 (cited by Labcorp Genetics (formerly Invitae), Labcorp); PubMed 22334370 (cited by Labcorp Genetics (formerly Invitae), Labcorp).

NM_000283.4(PDE6B):c.1133G>A (p.Trp378Ter)

Gene: PDE6B (phosphodiesterase 6B; plus strand). Cytogenetic location: 4p16.3.
Variant type: single nucleotide variant.
Coding change: c.1133G>A on transcript NM_000283.4 (MANE Select); coding-DNA position 1133, G replaced by A.
Protein change: p.Trp378Ter; replaces tryptophan 378 with a stop codon.
Molecular consequence: nonsense. On other transcripts: 5 prime UTR variant (1).
Genome position (GRCh38, 1-based): chr4:656,899, G>A. VCF-style: chr4-656899-G-A. GRCh37 (hg19) VCF-style: chr4-650688-G-A.
Other names: c.1133G>A, p.Trp378Ter (NM_001145291.2); c.296G>A, p.Trp99Ter (NM_001145292.2, NM_001350154.3, NM_001379246.1 and 1 more transcripts); c.-23G>A (NM_001350155.3); short protein forms W378*, W99*.
Identifiers: ClinVar variation 1458483 (VCV001458483.9), dbSNP rs367889201, ClinGen allele CA355913064.